The following is an entry in ClinVar:

NM_001281740.3(FHOD3):c.4425+105_4425+114del

Gene: FHOD3 (formin homology 2 domain containing 3; plus strand). Cytogenetic location: 18q12.2.
Variant type: Deletion.
Coding change: c.4425+105_4425+114del on transcript NM_001281740.3 (MANE Select); bases 105 to 114 of the intron after coding-DNA position 4425, 10 bases deleted (TTTTTTTTTT; older notation c.4425+105_4425+114delTTTTTTTTTT).
Molecular consequence: intron variant.
Genome position (GRCh38, 1-based): chr18:36,755,416-36,755,425, TTTTTTTTTT deleted; deleting any 10 consecutive bases within chr18:36,755,398-36,755,425 gives the same sequence; the c. name uses the placement nearest the transcript's 3' end. VCF-style (leftmost placement, unchanged base first): chr18-36755397-CTTTTTTTTTT-C. GRCh37 (hg19) VCF-style: chr18-34335360-CTTTTTTTTTT-C.
Other names: c.3900+105_3900+114del (NM_025135.5); c.3849+105_3849+114del (NM_001281739.3).
Identifiers: ClinVar variation 1706655 (VCV001706655.2), dbSNP rs200164880, ClinGen allele CA298688115.

ClinVar aggregate classification (germline): Likely benign (1 of 4 stars; one submission).

Submission:

GeneDx
Classification: Likely benign. Last evaluated: 2021-05-13. Review status: criteria provided, single submitter. Criteria: GeneDx Variant Classification Process June 2021. Collection method: clinical testing. Allele origin: germline. Affected: yes.
Comment: See Variant Classification Assertion Criteria.